The following is an entry in ClinVar:

NM_001089.3(ABCA3):c.3458del (p.Phe1153fs)

Gene: ABCA3 (ATP binding cassette subfamily A member 3; minus strand). Cytogenetic location: 16p13.3.
Variant type: Deletion.
Coding change: c.3458del on transcript NM_001089.3 (MANE Select); coding-DNA position 3458, one base deleted (T; older notation c.3458delT).
Protein change: p.Phe1153fs; shifts the reading frame from phenylalanine 1153.
Molecular consequence: frameshift variant.
Genome position (GRCh38, 1-based): chr16:2,285,467, A deleted on the plus strand (T on the coding strand, the reverse complement: ABCA3 is on the minus strand); the first of 2 consecutive A bases (chr16:2,285,467-2,285,468); deleting either gives the same sequence. VCF-style (leftmost placement, unchanged base first): chr16-2285466-GA-G. GRCh37 (hg19) VCF-style: chr16-2335467-GA-G.
Other names: short protein forms F1153fs.
Identifiers: ClinVar variation 5004025 (VCV005004025.1).
Genomic context (GRCh38, chr16:2,285,466, plus strand): 5'-TGCAGGGGAACGGATCCAGCACCCTCCGGCGCTCACCAGCAGCAGCAGACTGGGGATGAG[GA>G]AGGAGATGAGGTCCCACAGCAGAGCAGAGAGCCAGAAACTGGCCACGTGGACTCCACTCA-3'

ClinVar aggregate classification (germline): Pathogenic (1 of 4 stars; one submission).

Conditions:
Interstitial lung disease due to ABCA3 deficiency. Also called: PULMONARY ALVEOLAR PROTEINOSIS, CONGENITAL, 3. Identifiers: Orphanet 440402, MedGen C1970456, MONDO:0012582, OMIM 610921.

Submission:

Myriad Genetics, Inc.
Classification: Pathogenic for Interstitial lung disease due to ABCA3 deficiency. Last evaluated: 2025-08-07. Review status: criteria provided, single submitter. Criteria: Myriad Autosomal Dominant, Autosomal Recessive and X-Linked Classification Criteria (2023). Collection method: clinical testing. Allele origin: unknown.
Comment: NM_001089.2(ABCA3):c.3458delT(F1153Sfs*46) is a frameshift variant classified as pathogenic in the context of surfactant deficiency, ABCA3-related. F1153Sfs*46 has not been observed in cases with relevant disease. Relevant functional assessments of this variant are not available in the literature. F1153Sfs*46 has not been observed in referenced population frequency databases. In summary, NM_001089.2(ABCA3):c.3458delT(F1153Sfs*46) is a frameshift variant in a gene where loss of function is a known mechanism of disease and is predicted to disrupt protein function. Please note: this variant was assessed in the context of healthy population screening.